The following is an entry in ClinVar:

ClinVar aggregate classification (germline): Uncertain significance (1 of 4 stars; one submission).

Conditions:
Immunodeficiency, common variable, 7. Identifiers: Orphanet 1572, Orphanet 696894, MedGen C3542922, MONDO:0013862, OMIM 614699.

Allele frequency attached by ClinVar (database versions not stated): gnomAD 0.00003; gnomAD exomes 0.00002; ESP Exome Variant Server 0.00008; TOPMed 0.00003; ExAC 0.00004.
gnomAD v4.1: 32 of 1,613,708 alleles (0.002%); highest among the groups gnomAD compares: East Asian, 0.0045%; no homozygotes.

Submission:

Labcorp Genetics (formerly Invitae), Labcorp
Classification: Uncertain significance for Immunodeficiency, common variable, 7. Last evaluated: 2022-05-13. Review status: criteria provided, single submitter. Criteria: Invitae Variant Classification Sherloc (09022015). Collection method: clinical testing. Allele origin: germline.
Comment: This sequence change replaces arginine, which is basic and polar, with glutamine, which is neutral and polar, at codon 33 of the CR2 protein (p.Arg33Gln). This variant is present in population databases (rs368072577, gnomAD 0.02%). This variant has not been reported in the literature in individuals affected with CR2-related conditions. Algorithms developed to predict the effect of missense changes on protein structure and function output the following: SIFT: "Tolerated"; PolyPhen-2: "Benign"; Align-GVGD: "Class C0". The glutamine amino acid residue is found in multiple mammalian species, which suggests that this missense change does not adversely affect protein function. In summary, the available evidence is currently insufficient to determine the role of this variant in disease. Therefore, it has been classified as a Variant of Uncertain Significance.

NM_001006658.3(CR2):c.98G>A (p.Arg33Gln)

Gene: CR2 (complement C3d receptor 2; plus strand). Cytogenetic location: 1q32.2.
Variant type: single nucleotide variant.
Coding change: c.98G>A on transcript NM_001006658.3 (MANE Select); coding-DNA position 98, G replaced by A.
Protein change: p.Arg33Gln; replaces arginine 33 with glutamine.
Molecular consequence: missense variant.
Genome position (GRCh38, 1-based): chr1:207,466,565, G>A. VCF-style: chr1-207466565-G-A. GRCh37 (hg19) VCF-style: chr1-207639910-G-A.
Other names: c.98G>A, p.Arg33Gln (NM_001877.5); short protein forms R33Q.
Identifiers: ClinVar variation 1916457 (VCV001916457.2), dbSNP rs368072577, ClinGen allele CA1368368.